The following is an entry in ClinVar:

NM_004415.4(DSP):c.4216T>C (p.Ser1406Pro)

Gene: DSP (desmoplakin; plus strand). Cytogenetic location: 6p24.3.
Variant type: single nucleotide variant.
Coding change: c.4216T>C on transcript NM_004415.4 (MANE Select); coding-DNA position 4216, T replaced by C.
Protein change: p.Ser1406Pro; replaces serine 1406 with proline.
Molecular consequence: missense variant. On other transcripts: intron variant (2).
Genome position (GRCh38, 1-based): chr6:7,580,406, T>C. VCF-style: chr6-7580406-T-C. GRCh37 (hg19) VCF-style: chr6-7580639-T-C.
Other names: c.4050+166T>C (NM_001319034.2); c.3582+634T>C (NM_001008844.3); short protein forms S1406P.
Identifiers: ClinVar variation 2926053 (VCV002926053.4), dbSNP rs1246660590, ClinGen allele CA362685811.

ClinVar aggregate classification (germline): Uncertain significance. Review status: criteria provided, multiple submitters, no conflicts (2 of 4 stars). 2 submissions from 2 submitters: Uncertain significance (2). Last evaluated 2025-06-03.

Conditions:
Cardiovascular phenotype. Identifiers: MedGen CN230736.
Arrhythmogenic right ventricular dysplasia 8 (ARVD8). Also called: Arrhythmogenic Right Ventricular Dysplasia/Cardiomyopathy 8; ARRHYTHMOGENIC RIGHT VENTRICULAR DYSPLASIA, FAMILIAL, 8; ARRHYTHMOGENIC RIGHT VENTRICULAR CARDIOMYOPATHY 8. Identifiers: MedGen C1843896, MONDO:0011831, OMIM 607450.
Arrhythmogenic cardiomyopathy with wooly hair and keratoderma. Also called: PALMOPLANTAR KERATODERMA WITH LEFT VENTRICULAR CARDIOMYOPATHY AND WOOLLY HAIR; Carvajal syndrome; Arrhythmogenic cardiomyopathy with woolly hair and keratoderma; Dilated cardiomyopathy with woolly hair and keratoderma. Identifiers: Orphanet 65282, MedGen C1854063, MONDO:0011581, OMIM 605676.

Allele frequency attached by ClinVar (database versions not stated): TOPMed below 0.00001; gnomAD 0.00001.

Submissions (2):

Ambry Genetics
Classification: Uncertain significance for Cardiovascular phenotype. Last evaluated: 2025-06-03. Review status: criteria provided, single submitter. Criteria: Ambry Variant Classification Scheme 2023. Collection method: clinical testing. Allele origin: germline.

Labcorp Genetics (formerly Invitae), Labcorp
Classification: Uncertain significance for Arrhythmogenic cardiomyopathy with wooly hair and keratoderma; Arrhythmogenic right ventricular dysplasia 8. Last evaluated: 2023-05-01. Review status: criteria provided, single submitter. Criteria: Invitae Variant Classification Sherloc (09022015). Collection method: clinical testing. Allele origin: germline.
Comment: In summary, the available evidence is currently insufficient to determine the role of this variant in disease. Therefore, it has been classified as a Variant of Uncertain Significance. An algorithm developed to predict the effect of missense changes on protein structure and function (PolyPhen-2) suggests that this variant is likely to be tolerated. This variant has not been reported in the literature in individuals affected with DSP-related conditions. This variant is not present in population databases (gnomAD no frequency). This sequence change replaces serine, which is neutral and polar, with proline, which is neutral and non-polar, at codon 1406 of the DSP protein (p.Ser1406Pro).